The following is an entry in ClinVar:

ClinVar aggregate classification (germline): Uncertain significance (1 of 4 stars; one submission).

Conditions:
Progressive myoclonic epilepsy type 5. Identifiers: Orphanet 402082, MedGen C5190799.

gnomAD v4.1: 4 of 1,611,064 alleles (0.00025%); highest among the groups gnomAD compares: East Asian, 0.0022%; no homozygotes.

Submission:

Labcorp Genetics (formerly Invitae), Labcorp
Classification: Uncertain significance for Progressive myoclonic epilepsy type 5. Last evaluated: 2024-08-11. Review status: criteria provided, single submitter. Criteria: Invitae Variant Classification Sherloc (09022015). Collection method: clinical testing. Allele origin: germline.
Comment: This sequence change replaces aspartic acid, which is acidic and polar, with asparagine, which is neutral and polar, at codon 677 of the PRICKLE2 protein (p.Asp677Asn). This variant is present in population databases (rs772427963, gnomAD 0.0009%). This variant has not been reported in the literature in individuals affected with PRICKLE2-related conditions. Advanced modeling of protein sequence and biophysical properties (such as structural, functional, and spatial information, amino acid conservation, physicochemical variation, residue mobility, and thermodynamic stability) performed at Invitae indicates that this missense variant is not expected to disrupt PRICKLE2 protein function with a negative predictive value of 80%. In summary, the available evidence is currently insufficient to determine the role of this variant in disease. Therefore, it has been classified as a Variant of Uncertain Significance.

NM_198859.4(PRICKLE2):c.2029G>A (p.Asp677Asn)

Genes: PRICKLE2 (prickle planar cell polarity protein 2; minus strand), PRICKLE2-AS1 (PRICKLE2 antisense RNA 1; plus strand). Cytogenetic location: 3p14.1.
Variant type: single nucleotide variant.
Coding change: c.2029G>A on transcript NM_198859.4 (MANE Select); coding-DNA position 2029, G replaced by A.
Protein change: p.Asp677Asn; replaces aspartic acid 677 with asparagine.
Molecular consequence: missense variant. On other transcripts: non-coding transcript variant (1).
Genome position (GRCh38, 1-based): chr3:64,099,557, C>T on the plus strand (G>A on the coding strand, the complement: PRICKLE2 is on the minus strand). VCF-style: chr3-64099557-C-T. GRCh37 (hg19) VCF-style: chr3-64085233-C-T.
Other names: c.2029G>A, p.Asp677Asn (NM_001370528.1); short protein forms D677N.
Identifiers: ClinVar variation 3678682 (VCV003678682.2).